The following is an entry in ClinVar:

ClinVar aggregate classification (germline): Conflicting classifications of pathogenicity. Review status: criteria provided, conflicting classifications (1 of 4 stars). 3 submissions from 3 submitters: Uncertain significance (1); Likely benign (1). 1 of the submissions does not count toward it. Last evaluated 2025-12-11.

Conditions:
ITGB4-related disorder. Also called: ITGB4-related condition.

Allele frequency attached by ClinVar (database versions not stated): 1000 Genomes Project 30x 0.00016.
gnomAD v4.1: 101 of 1,613,438 alleles (0.0063%); highest among the groups gnomAD compares: South Asian, 0.085%; no homozygotes.

Submissions (3):

Labcorp Genetics (formerly Invitae), Labcorp
Classification: Likely benign. Last evaluated: 2025-12-11. Review status: criteria provided, single submitter. Criteria: Invitae Variant Classification Sherloc (09022015). Collection method: clinical testing. Allele origin: germline.

Blueprint Genetics
Classification: Uncertain significance. Last evaluated: 2024-09-20. Review status: criteria provided, single submitter. Criteria: ACMG Guidelines, 2015. Collection method: clinical testing. Allele origin: germline.

PreventionGenetics, part of Exact Sciences
Classification: Likely benign for ITGB4-related condition. Last evaluated: 2022-11-29. Review status: no assertion criteria provided. Collection method: clinical testing. Allele origin: germline. Not counted in ClinVar's aggregate classification.
Comment: This variant is classified as likely benign based on ACMG/AMP sequence variant interpretation guidelines (Richards et al. 2015 PMID: 25741868, with internal and published modifications).

NM_000213.5(ITGB4):c.4902C>T (p.Ser1634=)

Genes: ITGB4 (integrin subunit beta 4; plus strand), GALK1 (galactokinase 1; minus strand). Cytogenetic location: 17q25.1.
Variant type: single nucleotide variant.
Coding change: c.4902C>T on transcript NM_000213.5 (MANE Select); coding-DNA position 4902, C replaced by T.
Protein change: p.Ser1634=; no amino-acid change (serine 1634 retained).
Molecular consequence: synonymous variant. On other transcripts: intron variant (1).
Genome position (GRCh38, 1-based): chr17:75,756,708, C>T. VCF-style: chr17-75756708-C-T. GRCh37 (hg19) VCF-style: chr17-73752789-C-T.
Other names: c.4851C>T, p.Ser1617= (NM_001005619.2); c.4692C>T, p.Ser1564= (NM_001005731.3, NM_001321123.2); c.4542C>T, p.Ser1514= (NM_001438834.1); c.*22+1326G>A (NM_001381985.1).
Identifiers: ClinVar variation 2913449 (VCV002913449.6), dbSNP rs57812564, ClinGen allele CA8770372.